The following is an entry in ClinVar:

ClinVar aggregate classification (germline): Uncertain significance. Review status: criteria provided, multiple submitters, no conflicts (2 of 4 stars). 3 submissions from 3 submitters: Uncertain significance (2). 1 of the submissions does not count toward it. Last evaluated 2025-10-07.

Conditions:
MAGEL2-related disorder. Also called: MAGEL2-related condition.
Inborn genetic diseases. Identifiers: MedGen C0950123, MeSH D030342.

Submissions (3):

Ambry Genetics
Classification: Uncertain significance for Inborn genetic diseases. Last evaluated: 2025-10-07. Review status: criteria provided, single submitter. Criteria: Ambry Variant Classification Scheme 2023. Collection method: clinical testing. Allele origin: germline.

GeneDx
Classification: Uncertain significance. Last evaluated: 2023-12-23. Review status: criteria provided, single submitter. Criteria: GeneDx Variant Classification Process June 2021. Collection method: clinical testing. Allele origin: germline. Affected: yes.
Comment: Not observed at significant frequency in large population cohorts (gnomAD); In silico analysis supports that this missense variant does not alter protein structure/function; Has not been previously published as pathogenic or benign to our knowledge

PreventionGenetics, part of Exact Sciences
Classification: Uncertain significance for MAGEL2-related condition. Last evaluated: 2024-08-02. Review status: no assertion criteria provided. Collection method: clinical testing. Allele origin: germline. Not counted in ClinVar's aggregate classification.
Comment: The MAGEL2 c.1606G>A variant is predicted to result in the amino acid substitution p.Val536Met. To our knowledge, this variant has not been reported in the literature or in a large population database, indicating this variant is rare. At this time, the clinical significance of this variant is uncertain due to the absence of conclusive functional and genetic evidence.

NM_019066.5(MAGEL2):c.1606G>A (p.Val536Met)

Gene: MAGEL2 (MAGE family member L2; minus strand). Cytogenetic location: 15q11.2.
Variant type: single nucleotide variant.
Coding change: c.1606G>A on transcript NM_019066.5 (MANE Select); coding-DNA position 1606, G replaced by A.
Protein change: p.Val536Met; replaces valine 536 with methionine.
Molecular consequence: missense variant.
Genome position (GRCh38, 1-based): chr15:23,646,137, C>T on the plus strand (G>A on the coding strand, the complement: MAGEL2 is on the minus strand). VCF-style: chr15-23646137-C-T. GRCh37 (hg19) VCF-style: chr15-23891284-C-T.
Other names: short protein forms V536M.
Identifiers: ClinVar variation 3340596 (VCV003340596.2).